The following is an entry in ClinVar:

ClinVar aggregate classification (germline): Benign. Review status: criteria provided, multiple submitters, no conflicts (2 of 4 stars). 4 submissions from 4 submitters: Benign (3). 1 of the submissions does not count toward it. Last evaluated 2026-02-01.

Conditions:
ATRIP-related disorder. Also called: ATRIP-related condition.

Allele frequency attached by ClinVar (database versions not stated): gnomAD exomes 0.01014; ExAC 0.01244; 1000 Genomes Project 0.03554; gnomAD 0.03742; 1000 Genomes Project 30x 0.03748; TOPMed 0.03967.
gnomAD v4.1: 11,997 of 1,603,748 alleles (0.75%); highest among the groups gnomAD compares: African/African-American, 12%; 552 homozygotes.

Submissions (4):

Labcorp Genetics (formerly Invitae), Labcorp
Classification: Benign. Last evaluated: 2026-02-01. Review status: criteria provided, single submitter. Criteria: Invitae Variant Classification Sherloc (09022015). Collection method: clinical testing. Allele origin: germline.

GeneDx
Classification: Benign. Last evaluated: 2018-10-27. Review status: criteria provided, single submitter. Criteria: GeneDx Variant Classification Process June 2021. Collection method: clinical testing. Allele origin: germline. Affected: yes.

Breakthrough Genomics
Classification: Benign. Review status: criteria provided, single submitter. Criteria: ACMG Guidelines, 2015. Collection method: not provided. Allele origin: germline. Inheritance: Unknown mechanism. Affected: yes.

PreventionGenetics, part of Exact Sciences
Classification: Benign for ATRIP-related condition. Last evaluated: 2024-04-15. Review status: no assertion criteria provided. Collection method: clinical testing. Allele origin: germline. Not counted in ClinVar's aggregate classification.
Comment: This variant is classified as benign based on ACMG/AMP sequence variant interpretation guidelines (Richards et al. 2015 PMID: 25741868, with internal and published modifications).

NM_130384.3(ATRIP):c.2056-8T>C

Genes: ATRIP (ATR interacting protein; plus strand), ATRIP-TREX1 (ATRIP-TREX1 readthrough; plus strand). Cytogenetic location: 3p21.31.
Variant type: single nucleotide variant.
Coding change: c.2056-8T>C on transcript NM_130384.3 (MANE Select); 8 bases into the intron before coding-DNA position 2056, T replaced by C.
Molecular consequence: intron variant.
Genome position (GRCh38, 1-based): chr3:48,464,823, T>C. VCF-style: chr3-48464823-T-C. GRCh37 (hg19) VCF-style: chr3-48506222-T-C.
Other names: c.1975-8T>C (NM_032166.4); c.1675-8T>C (NM_001271022.2); c.1777-8T>C (NM_001271023.2); c.2056-8T>C (NM_130384.2).
Identifiers: ClinVar variation 1267070 (VCV001267070.12), dbSNP rs3135937, ClinGen allele CA2376389.